The following is an entry in ClinVar:

ClinVar aggregate classification (germline): Uncertain significance (1 of 4 stars; one submission).

Allele frequency attached by ClinVar (database versions not stated): ESP Exome Variant Server 0.00017; TOPMed 0.00019; gnomAD exomes 0.00021 and 0.00022; gnomAD 0.00031 and 0.00033; ExAC 0.00036.
gnomAD v4.1: 339 of 1,521,836 alleles (0.022%); highest among the groups gnomAD compares: Non-Finnish European, 0.027%; 1 homozygote.

Submission:

Labcorp Genetics (formerly Invitae), Labcorp
Classification: Uncertain significance. Last evaluated: 2023-12-26. Review status: criteria provided, single submitter. Criteria: Invitae Variant Classification Sherloc (09022015). Collection method: clinical testing. Allele origin: germline.
Comment: This sequence change replaces histidine, which is basic and polar, with arginine, which is basic and polar, at codon 516 of the EXOC6B protein (p.His516Arg). This variant is present in population databases (rs202201931, gnomAD 0.06%), including at least one homozygous and/or hemizygous individual. This variant has not been reported in the literature in individuals affected with EXOC6B-related conditions. ClinVar contains an entry for this variant (Variation ID: 1510292). Experimental studies and prediction algorithms are not available or were not evaluated, and the functional significance of this variant is currently unknown. In summary, the available evidence is currently insufficient to determine the role of this variant in disease. Therefore, it has been classified as a Variant of Uncertain Significance.

NM_015189.3(EXOC6B):c.1547A>G (p.His516Arg)

Gene: EXOC6B (exocyst complex component 6B; minus strand). Cytogenetic location: 2p13.2.
Variant type: single nucleotide variant.
Coding change: c.1547A>G on transcript NM_015189.3 (MANE Select); coding-DNA position 1547, A replaced by G.
Protein change: p.His516Arg; replaces histidine 516 with arginine.
Molecular consequence: missense variant. On other transcripts: non-coding transcript variant (2).
Genome position (GRCh38, 1-based): chr2:72,495,436, T>C on the plus strand (A>G on the coding strand, the complement: EXOC6B is on the minus strand). VCF-style: chr2-72495436-T-C. GRCh37 (hg19) VCF-style: chr2-72722565-T-C.
Other names: c.1547A>G, p.His516Arg (NM_001321729.2, NM_001321730.2, NM_001321731.2 and 1 more transcripts); c.1208A>G, p.His403Arg (NM_001321734.2); short protein forms H403R, H516R.
Identifiers: ClinVar variation 1510292 (VCV001510292.4), dbSNP rs202201931, ClinGen allele CA1708431.